The following is an entry in ClinVar:

ClinVar aggregate classification (germline): Uncertain significance (1 of 4 stars; one submission).

Conditions:
KCNA3-related disorder. Also called: KCNA3-related condition.

Submission:

3billion
Classification: Uncertain significance for KCNA3-related disorder. Last evaluated: 2025-11-10. Review status: criteria provided, single submitter. Criteria: ACMG Guidelines, 2015. Collection method: clinical testing. Allele origin: germline. Affected: yes.
Comment: The variant is not observed in the gnomAD v4.1.0 dataset. Predicted Consequence/Location: Missense variant. Missense changes are a common disease-causing mechanism. In silico tool predictions suggest damaging effect of the variant on gene or gene product [REVEL: 0.93 (>=0.6, sensitivity 0.68 and specificity 0.92); 3Cnet: 0.99 (> 0.75, sensitivity 0.96 and precision 0.92)]. Therefore, this variant is classified as VUS according to the recommendation of ACMG/AMP guideline.

NM_002232.5(KCNA3):c.1247T>C (p.Val416Ala)

Gene: KCNA3 (potassium voltage-gated channel subfamily A member 3; minus strand). Cytogenetic location: 1p13.3.
Variant type: single nucleotide variant.
Coding change: c.1247T>C on transcript NM_002232.5 (MANE Select); coding-DNA position 1247, T replaced by C.
Protein change: p.Val416Ala; replaces valine 416 with alanine.
Molecular consequence: missense variant.
Genome position (GRCh38, 1-based): chr1:110,673,563, A>G on the plus strand (T>C on the coding strand, the complement: KCNA3 is on the minus strand). VCF-style: chr1-110673563-A-G. GRCh37 (hg19) VCF-style: chr1-111216185-A-G.
Other names: short protein forms V416A.
Identifiers: ClinVar variation 4853932 (VCV004853932.1).